The following is an entry in ClinVar:

ClinVar aggregate classification (germline): Likely benign. Review status: criteria provided, multiple submitters, no conflicts (2 of 4 stars). 3 submissions from 3 submitters: Likely benign (3). Last evaluated 2026-02-24.

Conditions:
TTN-related disorder. Also called: TTN-related disorders; TTN-related condition; TTN-related disease.
Cardiovascular phenotype. Identifiers: MedGen CN230736.
Autosomal recessive limb-girdle muscular dystrophy type 2J (LGMDR10). Also called: MUSCULAR DYSTROPHY, LIMB-GIRDLE, AUTOSOMAL RECESSIVE 10; Limb-girdle muscular dystrophy, type 2J. Identifiers: Orphanet 140922, MedGen C1837342, MONDO:0012127, OMIM 608807.
Dilated cardiomyopathy 1G (CMD1G). Identifiers: Orphanet 154, MedGen C1858763, MONDO:0011400, OMIM 604145.

Allele frequency attached by ClinVar (database versions not stated): gnomAD exomes below 0.00001 and 0.00001; ExAC 0.00001; gnomAD 0.00002.
gnomAD v4.1: 16 of 1,613,798 alleles (0.00099%); highest among the groups gnomAD compares: East Asian, 0.0022%; no homozygotes.

Submissions (3):

PreventionGenetics, part of Exact Sciences
Classification: Likely benign for TTN-related condition. Last evaluated: 2026-02-24. Review status: criteria provided, single submitter. Criteria: ACMG Guidelines, 2015. Collection method: clinical testing. Allele origin: germline.
Comment: This variant is classified as likely benign based on ACMG/AMP sequence variant interpretation guidelines (Richards et al. 2015 PMID: 25741868, with internal and published modifications).

Labcorp Genetics (formerly Invitae), Labcorp
Classification: Likely benign for Dilated cardiomyopathy 1G; Autosomal recessive limb-girdle muscular dystrophy type 2J. Last evaluated: 2024-11-11. Review status: criteria provided, single submitter. Criteria: Invitae Variant Classification Sherloc (09022015). Collection method: clinical testing. Allele origin: germline.

Ambry Genetics
Classification: Likely benign for Cardiovascular phenotype. Last evaluated: 2019-10-01. Review status: criteria provided, single submitter. Criteria: Ambry Variant Classification Scheme 2023. Collection method: clinical testing. Allele origin: germline.

NM_001267550.2(TTN):c.103074T>C (p.Asp34358=)

Genes: TTN (titin; minus strand), TTN-AS1 (TTN antisense RNA 1; plus strand). Cytogenetic location: 2q31.2.
Variant type: single nucleotide variant.
Coding change: c.103074T>C on transcript NM_001267550.2 (MANE Select); coding-DNA position 103074, T replaced by C.
Protein change: p.Asp34358=; no amino-acid change (aspartic acid 34358 retained).
Molecular consequence: synonymous variant.
Genome position (GRCh38, 1-based): chr2:178,533,541, A>G on the plus strand (T>C on the coding strand, the complement: TTN is on the minus strand). VCF-style: chr2-178533541-A-G. GRCh37 (hg19) VCF-style: chr2-179398268-A-G.
Other names: c.98151T>C, p.Asp32717= (NM_001256850.1); c.75879T>C, p.Asp25293= (NM_003319.4); c.95370T>C, p.Asp31790= (NM_133378.4); c.76254T>C, p.Asp25418= (NM_133432.3); c.76455T>C, p.Asp25485= (NM_133437.4).
Identifiers: ClinVar variation 1663808 (VCV001663808.11), dbSNP rs774488640, ClinGen allele CA1985662.
Genomic context (GRCh38, chr2:178,533,541, plus strand): 5'-TTGGCCTTCTTGGCATTCTGCATTTGCCAGTAACCTTTTGAACATGGGTCTTAAGGTACT[A>G]TCTGTTGGAGGTGGGTGTAGGGTTACTGTCAGCTTTGCTTTACAGCTGTCTTCACCATAT-3'
Protein context (NP_001254479.2, residues 34348-34368): LTVTLHPPPT[Asp34358=]STLRPMFKRL